The following is an entry in ClinVar:

ClinVar aggregate classification (germline): Pathogenic. Review status: criteria provided, multiple submitters, no conflicts (2 of 4 stars). 2 submissions from 2 submitters: Pathogenic (2). Last evaluated 2024-10-29.

Conditions:
Cardiovascular phenotype. Identifiers: MedGen CN230736.
Hereditary cancer-predisposing syndrome. Also called: Hereditary Cancer Syndrome; Hereditary neoplastic syndrome; Neoplastic Syndromes, Hereditary; Tumor predisposition. Identifiers: Orphanet 140162, MedGen C0027672, MeSH D009386, MONDO:0015356.

Allele frequency attached by ClinVar (database versions not stated): gnomAD exomes below 0.00001; gnomAD 0.00001.
gnomAD v4.1: 3 of 1,613,382 alleles (0.00019%); highest among the groups gnomAD compares: African/African-American, 0.0013%; no homozygotes.

Submissions (2):

Labcorp Genetics (formerly Invitae), Labcorp
Classification: Pathogenic. Last evaluated: 2024-10-29. Review status: criteria provided, single submitter. Criteria: Invitae Variant Classification Sherloc (09022015). Collection method: clinical testing. Allele origin: germline.
Comment: This sequence change creates a premature translational stop signal (p.Glu438*) in the LZTR1 gene. It is expected to result in an absent or disrupted protein product. Loss-of-function variants in LZTR1 are known to be pathogenic (PMID: 24362817, 25335493, 25480913, 25795793, 29469822, 30368668, 30442762, 30442766, 30481304, 30859559). This variant is not present in population databases (gnomAD no frequency). This premature translational stop signal has been observed in individual(s) with schwannomatosis (PMID: 25008767). ClinVar contains an entry for this variant (Variation ID: 1769704). For these reasons, this variant has been classified as Pathogenic.

Ambry Genetics
Classification: Pathogenic for Cardiovascular phenotype; Hereditary cancer-predisposing syndrome. Last evaluated: 2022-10-12. Review status: criteria provided, single submitter. Criteria: Ambry Variant Classification Scheme 2023. Collection method: clinical testing. Allele origin: germline.
Comment: The p.E438* pathogenic mutation (also known as c.1312G>T), located in coding exon 12 of the LZTR1 gene, results from a G to T substitution at nucleotide position 1312. This changes the amino acid from a glutamic acid to a stop codon within coding exon 12. This alteration is expected to result in loss of function by premature protein truncation or nonsense-mediated mRNA decay. In addition, this mutation has been reported in an individual with schwannomatosis (Hutter S et al. Acta Neuropathol, 2014 Sep;128:449-52; Farschtschi SC et al. Int J Mol Sci, 2020 May;21:; Godel T et al. Diagnostics (Basel), 2022 Mar;12:). Based on the supporting evidence, this variant is pathogenic for an increased risk of LZTR1-related schwannomatosis (SWN) and would be expected to cause autosomal recessive Noonan syndrome when present along with a second pathogenic or likely pathogenic variant on the other allele; however, the association of this alteration with autosomal dominant Noonan syndrome is unlikely.

Literature cited by the submitters: PubMed 24362817 (cited by Labcorp Genetics (formerly Invitae), Labcorp); PubMed 25335493 (cited by Labcorp Genetics (formerly Invitae), Labcorp); PubMed 25480913 (cited by Labcorp Genetics (formerly Invitae), Labcorp); PubMed 25795793 (cited by Labcorp Genetics (formerly Invitae), Labcorp); PubMed 29469822 (cited by Labcorp Genetics (formerly Invitae), Labcorp); PubMed 30368668 (cited by Labcorp Genetics (formerly Invitae), Labcorp); PubMed 30442762 (cited by Labcorp Genetics (formerly Invitae), Labcorp); PubMed 30442766 (cited by Labcorp Genetics (formerly Invitae), Labcorp); PubMed 30481304 (cited by Labcorp Genetics (formerly Invitae), Labcorp); PubMed 30859559 (cited by Labcorp Genetics (formerly Invitae), Labcorp); PubMed 25008767 (cited by Labcorp Genetics (formerly Invitae), Labcorp).

NM_006767.4(LZTR1):c.1312G>T (p.Glu438Ter)

Gene: LZTR1 (leucine zipper like post translational regulator 1; plus strand). Cytogenetic location: 22q11.21.
Variant type: single nucleotide variant.
Coding change: c.1312G>T on transcript NM_006767.4 (MANE Select); coding-DNA position 1312, G replaced by T.
Protein change: p.Glu438Ter; replaces glutamic acid 438 with a stop codon.
Molecular consequence: nonsense.
Genome position (GRCh38, 1-based): chr22:20,993,713, G>T. VCF-style: chr22-20993713-G-T. GRCh37 (hg19) VCF-style: chr22-21348002-G-T.
Other names: short protein forms E438*.
Identifiers: ClinVar variation 1769704 (VCV001769704.4), dbSNP rs1924687245, ClinGen allele CA410774518.